The following is an entry in ClinVar:

ClinVar aggregate classification (germline): Uncertain significance. Review status: criteria provided, multiple submitters, no conflicts (2 of 4 stars). 2 submissions from 2 submitters: Uncertain significance (2). Last evaluated 2024-12-13.

Conditions:
PLXNA2-related disorder. Also called: PLXNA2-related condition.

Allele frequency attached by ClinVar (database versions not stated): gnomAD exomes below 0.00001; ExAC 0.00001; gnomAD 0.00001; 1000 Genomes Project 0.00020; 1000 Genomes Project 30x 0.00031.
gnomAD v4.1: 3 of 1,613,808 alleles (0.00019%); highest among the groups gnomAD compares: African/African-American, 0.004%; no homozygotes.

Submissions (2):

PreventionGenetics, part of Exact Sciences
Classification: Uncertain significance for PLXNA2-related condition. Last evaluated: 2024-12-13. Review status: criteria provided, single submitter. Criteria: ACMG Guidelines, 2015. Collection method: clinical testing. Allele origin: germline.
Comment: The PLXNA2 c.2312G>A variant is predicted to result in the amino acid substitution p.Gly771Asp. To our knowledge, this variant has not been reported in the literature. This variant is reported in 0.0062% of alleles in individuals of African descent in gnomAD. At this time, the clinical significance of this variant is uncertain due to the absence of conclusive functional and genetic evidence.

Ambry Genetics
Classification: Uncertain significance. Last evaluated: 2023-05-09. Review status: criteria provided, single submitter. Criteria: Ambry Variant Classification Scheme 2023. Collection method: clinical testing. Allele origin: germline.

NM_025179.4(PLXNA2):c.2312G>A (p.Gly771Asp)

Gene: PLXNA2 (plexin A2; minus strand). Cytogenetic location: 1q32.2.
Variant type: single nucleotide variant.
Coding change: c.2312G>A on transcript NM_025179.4 (MANE Select); coding-DNA position 2312, G replaced by A.
Protein change: p.Gly771Asp; replaces glycine 771 with aspartic acid.
Molecular consequence: missense variant.
Genome position (GRCh38, 1-based): chr1:208,082,495, C>T on the plus strand (G>A on the coding strand, the complement: PLXNA2 is on the minus strand). VCF-style: chr1-208082495-C-T. GRCh37 (hg19) VCF-style: chr1-208255840-C-T.
Other names: short protein forms G771D.
Identifiers: ClinVar variation 2545755 (VCV002545755.3), dbSNP rs185488994, ClinGen allele CA1373564.
Genomic context (GRCh38, chr1:208,082,495, plus strand): 5'-ATGATGAAATTGCCGTTCCACACCACAGCGAAATCCACGGCCAGATTGCTGATGTCCATG[C>T]CATCATACTGGTACTATAGGGAGACGGGCAGAGGCATGGGGCTCATGTGGCTCTCTATCA-3'
Protein context (NP_079455.3, residues 761-781): QCQNSSYQYD[Gly771Asp]MDISNLAVDF